The following is an entry in ClinVar:

NM_198129.4(LAMA3):c.8193G>C (p.Thr2731=)

Gene: LAMA3 (laminin subunit alpha 3; plus strand). Cytogenetic location: 18q11.2.
Variant type: single nucleotide variant.
Coding change: c.8193G>C on transcript NM_198129.4 (MANE Select); coding-DNA position 8193, G replaced by C.
Protein change: p.Thr2731=; no amino-acid change (threonine 2731 retained).
Molecular consequence: synonymous variant.
Genome position (GRCh38, 1-based): chr18:23,928,138, G>C. VCF-style: chr18-23928138-G-C. GRCh37 (hg19) VCF-style: chr18-21508102-G-C.
Other names: c.3366G>C, p.Thr1122= (NM_000227.6); c.8025G>C, p.Thr2675= (NM_001127717.4); c.3198G>C, p.Thr1066= (NM_001127718.4).
Identifiers: ClinVar variation 326327 (VCV000326327.16), dbSNP rs762861196, ClinGen allele CA8916871.

ClinVar aggregate classification (germline): Conflicting classifications of pathogenicity. Review status: criteria provided, conflicting classifications (1 of 4 stars). 4 submissions from 3 submitters: Uncertain significance (2); Likely benign (2). Last evaluated 2025-12-23.

Conditions:
LAMA3-related disorder. Also called: LAMA3-related disorders; LAMA3-related condition.
Laryngo-onycho-cutaneous syndrome (JEB2C). Also called: EPIDERMOLYSIS BULLOSA, JUNCTIONAL 2C, LARYNGOONYCHOCUTANEOUS; SHABBIR SYNDROME; LOGIC SYNDROME. Identifiers: Orphanet 2407, MedGen C1328355, MONDO:0009513, OMIM 245660.
Junctional epidermolysis bullosa gravis of Herlitz. Also called: EPIDERMOLYSIS BULLOSA, JUNCTIONAL 1B, SEVERE; Epidermolysis Bullosa Letalis; Herlitz-type junctional epidermolysis bullosa; EPIDERMOLYSIS BULLOSA JUNCTIONALIS, HERLITZ TYPE; EPIDERMOLYSIS BULLOSA, JUNCTIONAL, HERLITZ-PEARSON TYPE; JEB-HERLITZ TYPE. Identifiers: Orphanet 79404, MedGen C0079683, MONDO:0009182, OMIM 226700.

Allele frequency attached by ClinVar (database versions not stated): gnomAD 0.00002 and 0.00003; TOPMed 0.00006.
gnomAD v4.1: 29 of 1,612,186 alleles (0.0018%); highest among the groups gnomAD compares: East Asian, 0.025%; no homozygotes.

Submissions (4):

PreventionGenetics, part of Exact Sciences
Classification: Likely benign for LAMA3-related condition. Last evaluated: 2025-12-23. Review status: criteria provided, single submitter. Criteria: ACMG Guidelines, 2015. Collection method: clinical testing. Allele origin: germline.
Comment: This variant is classified as likely benign based on ACMG/AMP sequence variant interpretation guidelines (Richards et al. 2015 PMID: 25741868, with internal and published modifications).

Labcorp Genetics (formerly Invitae), Labcorp
Classification: Likely benign. Last evaluated: 2024-05-29. Review status: criteria provided, single submitter. Criteria: Invitae Variant Classification Sherloc (09022015). Collection method: clinical testing. Allele origin: germline.

Illumina Laboratory Services, Illumina
Classification: Uncertain significance for Junctional epidermolysis bullosa gravis of Herlitz. Last evaluated: 2018-01-13. Review status: criteria provided, single submitter. Criteria: ICSL Variant Classification Criteria 13 December 2019. Collection method: clinical testing. Allele origin: germline.

Illumina Laboratory Services, Illumina
Classification: Uncertain significance for Laryngo-onycho-cutaneous syndrome. Last evaluated: 2018-01-13. Review status: criteria provided, single submitter. Criteria: ICSL Variant Classification Criteria 13 December 2019. Collection method: clinical testing. Allele origin: germline.